The following is an entry in ClinVar:

NM_001845.6(COL4A1):c.3406G>T (p.Gly1136Cys)

Gene: COL4A1 (collagen type IV alpha 1 chain; minus strand). Cytogenetic location: 13q34.
Variant type: single nucleotide variant.
Coding change: c.3406G>T on transcript NM_001845.6 (MANE Select); coding-DNA position 3406, G replaced by T.
Protein change: p.Gly1136Cys; replaces glycine 1136 with cysteine.
Molecular consequence: missense variant.
Genome position (GRCh38, 1-based): chr13:110,174,446, C>A on the plus strand (G>T on the coding strand, the complement: COL4A1 is on the minus strand). VCF-style: chr13-110174446-C-A. GRCh37 (hg19) VCF-style: chr13-110826793-C-A.
Other names: short protein forms G1136C.
Identifiers: ClinVar variation 2026121 (VCV002026121.4), dbSNP rs1877783774, ClinGen allele CA388664318.

ClinVar aggregate classification (germline): Pathogenic (1 of 4 stars; one submission).

Submission:

Labcorp Genetics (formerly Invitae), Labcorp
Classification: Pathogenic. Last evaluated: 2022-08-22. Review status: criteria provided, single submitter. Criteria: Invitae Variant Classification Sherloc (09022015). Collection method: clinical testing. Allele origin: germline.
Comment: This sequence change replaces glycine, which is neutral and non-polar, with cysteine, which is neutral and slightly polar, at codon 1136 of the COL4A1 protein (p.Gly1136Cys). This variant also falls at the last nucleotide of exon 39, which is part of the consensus splice site for this exon. This variant is not present in population databases (gnomAD no frequency). Variants that disrupt the consensus splice site are a relatively common cause of aberrant splicing (PMID: 17576681, 9536098). Algorithms developed to predict the effect of sequence changes on RNA splicing suggest that this variant may disrupt the consensus splice site. This variant has not been reported in the literature in individuals affected with COL4A1-related conditions. Algorithms developed to predict the effect of missense changes on protein structure and function (SIFT, PolyPhen-2, Align-GVGD) all suggest that this variant is likely to be disruptive. This variant disrupts the triple helix domain of COL4A1. Glycine residues within the Gly-Xaa-Yaa repeats of the triple helix domain are required for the structure and stability of fibrillar collagens (PMID: 7695699, 8218237, 19344236). In COL4A1 variants affecting these glycine residues are significantly enriched in individuals with disease (PMID: 9016532, 17078022) compared to the general population (ExAC). For these reasons, this variant has been classified as Pathogenic.

Literature cited by the submitters: PubMed 17576681; PubMed 9536098; PubMed 7695699; PubMed 8218237; PubMed 19344236; PubMed 9016532; PubMed 17078022.